The following is an entry in ClinVar:

NM_003000.3(SDHB):c.337T>G (p.Cys113Gly)

Gene: SDHB (succinate dehydrogenase complex iron sulfur subunit B; minus strand). Cytogenetic location: 1p36.13.
Variant type: single nucleotide variant.
Coding change: c.337T>G on transcript NM_003000.3 (MANE Select); coding-DNA position 337, T replaced by G.
Protein change: p.Cys113Gly; replaces cysteine 113 with glycine.
Molecular consequence: missense variant.
Genome position (GRCh38, 1-based): chr1:17,028,686, A>C on the plus strand (T>G on the coding strand, the complement: SDHB is on the minus strand). VCF-style: chr1-17028686-A-C. GRCh37 (hg19) VCF-style: chr1-17355181-A-C.
Other names: short protein forms C113G.
Identifiers: ClinVar variation 952325 (VCV000952325.8), dbSNP rs2078005043, ClinGen allele CA338274774.

ClinVar aggregate classification (germline): Conflicting classifications of pathogenicity. Review status: criteria provided, conflicting classifications (1 of 4 stars). 2 submissions from 2 submitters: Pathogenic (1); Uncertain significance (1). Last evaluated 2026-05-08.

Conditions:
SDHB-related disorder. Also called: SDHB-related condition; SDHB-related disorders. Identifiers: MedGen CN239418.
Gastrointestinal stromal tumor. Also called: Gastrointestinal stromal tumor, somatic; Gastrointestinal stroma tumor. Identifiers: Orphanet 44890, MedGen C0238198, MeSH D046152, MONDO:0011719, OMIM 606764, HP:0100723.
Pheochromocytoma/paraganglioma syndrome 4. Also called: CAROTID BODY TUMORS AND MULTIPLE EXTRAADRENAL PHEOCHROMOCYTOMAS; SDHB-Related Hereditary Paraganglioma-Pheochromocytoma Syndrome; Paragangliomas 4; SDHB-Related Hereditary Paraganglioma-Pheochromocytoma Syndrome (Paragangliomas 4); PARAGANGLIOMA, FAMILIAL MALIGNANT; PARAGANGLIOMAS, HEREDITARY EXTRAADRENAL. Identifiers: Orphanet 29072, MedGen C1861848, MONDO:0007273, OMIM 115310.
Pheochromocytoma. Also called: MAX-Related Hereditary Paraganglioma-Pheochromocytoma Syndrome. Identifiers: Orphanet 29072, MedGen C0031511, MONDO:0008233, OMIM 171300, HP:0002666.

Submissions (2):

Clinical Genetics Laboratory, Skane University Hospital Lund
Classification: Pathogenic for SDHB-related disorder. Last evaluated: 2026-05-08. Review status: criteria provided, single submitter. Criteria: ACMG Guidelines, 2015. Collection method: clinical testing. Allele origin: germline. Affected: yes.
Comment: PM2, PM5, PP1, PP3, PP4_strong.

Labcorp Genetics (formerly Invitae), Labcorp
Classification: Uncertain significance for Gastrointestinal stromal tumor; Pheochromocytoma/paraganglioma syndrome 4; Pheochromocytoma. Last evaluated: 2019-04-03. Review status: criteria provided, single submitter. Criteria: Invitae Variant Classification Sherloc (09022015). Collection method: clinical testing. Allele origin: germline.
Comment: This sequence change replaces cysteine with glycine at codon 113 of the SDHB protein (p.Cys113Gly). The cysteine residue is highly conserved and there is a large physicochemical difference between cysteine and glycine. This variant is not present in population databases (ExAC no frequency). This variant has not been reported in the literature in individuals with SDHB-related conditions. Algorithms developed to predict the effect of missense changes on protein structure and function (SIFT, PolyPhen-2, Align-GVGD) all suggest that this variant is likely to be disruptive, but these predictions have not been confirmed by published functional studies and their clinical significance is uncertain. In summary, the available evidence is currently insufficient to determine the role of this variant in disease. Therefore, it has been classified as a Variant of Uncertain Significance.